The following is an entry in ClinVar:

ClinVar aggregate classification (germline): Uncertain significance (1 of 4 stars; one submission).

Conditions:
Charcot-Marie-Tooth disease type 4. Also called: Charcot-Marie-Tooth disease, type IV; Charcot-Marie-Tooth, Type 4. Identifiers: Orphanet 64749, MedGen C4082197, MONDO:0018995.

Submission:

Labcorp Genetics (formerly Invitae), Labcorp
Classification: Uncertain significance for Charcot-Marie-Tooth disease type 4. Last evaluated: 2021-11-20. Review status: criteria provided, single submitter. Criteria: Invitae Variant Classification Sherloc (09022015). Collection method: clinical testing. Allele origin: germline.
Comment: In summary, the available evidence is currently insufficient to determine the role of this variant in disease. Therefore, it has been classified as a Variant of Uncertain Significance. Algorithms developed to predict the effect of missense changes on protein structure and function output the following: SIFT: "Tolerated"; PolyPhen-2: "Possibly Damaging"; Align-GVGD: "Class C0". The glycine amino acid residue is found in multiple mammalian species, which suggests that this missense change does not adversely affect protein function. This variant has not been reported in the literature in individuals affected with PRX-related conditions. This variant is not present in population databases (gnomAD no frequency). This sequence change replaces glutamic acid, which is acidic and polar, with glycine, which is neutral and non-polar, at codon 1262 of the PRX protein (p.Glu1262Gly).

NM_181882.3(PRX):c.3785A>G (p.Glu1262Gly)

Gene: PRX (periaxin; minus strand). Cytogenetic location: 19q13.2.
Variant type: single nucleotide variant.
Coding change: c.3785A>G on transcript NM_181882.3 (MANE Select); coding-DNA position 3785, A replaced by G.
Protein change: p.Glu1262Gly; replaces glutamic acid 1262 with glycine.
Molecular consequence: missense variant. On other transcripts: 3 prime UTR variant (1).
Genome position (GRCh38, 1-based): chr19:40,394,567, T>C on the plus strand (A>G on the coding strand, the complement: PRX is on the minus strand). VCF-style: chr19-40394567-T-C. GRCh37 (hg19) VCF-style: chr19-40900474-T-C.
Other names: c.*3990A>G (NM_020956.2); short protein forms E1262G.
Identifiers: ClinVar variation 1450095 (VCV001450095.6), dbSNP rs2145725692, ClinGen allele CA405892188.